The following is an entry in ClinVar:

ClinVar aggregate classification (germline): Uncertain significance (1 of 4 stars; one submission).

Conditions:
Familial Mediterranean fever (FMF). Also called: Periodic peritonitis; Benign paroxysmal peritonitis; POLYSEROSITIS, FAMILIAL PAROXYSMAL; POLYSEROSITIS, RECURRENT. Identifiers: Orphanet 342, MedGen C0031069, MONDO:0018088, OMIM 249100. Disease mechanism: gain of function.

Submission:

Labcorp Genetics (formerly Invitae), Labcorp
Classification: Uncertain significance for Familial Mediterranean fever. Last evaluated: 2021-11-30. Review status: criteria provided, single submitter. Criteria: Invitae Variant Classification Sherloc (09022015). Collection method: clinical testing. Allele origin: germline.
Comment: This sequence change replaces lysine, which is basic and polar, with glutamine, which is neutral and polar, at codon 114 of the MEFV protein (p.Lys114Gln). This variant is not present in population databases (gnomAD no frequency). This variant has not been reported in the literature in individuals affected with MEFV-related conditions. Algorithms developed to predict the effect of missense changes on protein structure and function are either unavailable or do not agree on the potential impact of this missense change (SIFT: "Tolerated"; PolyPhen-2: "Possibly Damaging"; Align-GVGD: "Class C0"). In summary, the available evidence is currently insufficient to determine the role of this variant in disease. Therefore, it has been classified as a Variant of Uncertain Significance.

NM_000243.3(MEFV):c.340A>C (p.Lys114Gln)

Gene: MEFV (MEFV innate immunity regulator, pyrin; minus strand). Cytogenetic location: 16p13.3.
Variant type: single nucleotide variant.
Coding change: c.340A>C on transcript NM_000243.3 (MANE Select); coding-DNA position 340, A replaced by C.
Protein change: p.Lys114Gln; replaces lysine 114 with glutamine.
Molecular consequence: missense variant. On other transcripts: intron variant (1).
Genome position (GRCh38, 1-based): chr16:3,254,728, T>G on the plus strand (A>C on the coding strand, the complement: MEFV is on the minus strand). VCF-style: chr16-3254728-T-G. GRCh37 (hg19) VCF-style: chr16-3304728-T-G.
Other names: c.277+1583A>C (NM_001198536.2); short protein forms K114Q.
Identifiers: ClinVar variation 1410750 (VCV001410750.3), dbSNP rs1252844849, ClinGen allele CA394482304.